The following is an entry in ClinVar:

ClinVar aggregate classification (germline): Uncertain significance. Review status: criteria provided, multiple submitters, no conflicts (2 of 4 stars). 3 submissions from 3 submitters: Uncertain significance (3). Last evaluated 2026-07-01.

Conditions:
Glycogen storage disease, type II (IOPD). Also called: Glycogen storage disease type 2; Acid maltase deficiency disease; Aglucosidase alfa; Deficiency of alpha-glucosidase; Deficiency of lysosomal alpha-glucosidase; CARDIOMEGALIA GLYCOGENICA DIFFUSA. Identifiers: Orphanet 365, MedGen C0017921, MONDO:0009290, OMIM 232300.

Allele frequency attached by ClinVar (database versions not stated): TOPMed 0.00001; ExAC 0.00001.
gnomAD v4.1: 2 of 1,613,138 alleles (0.00012%); highest among the groups gnomAD compares: Non-Finnish European, 0.00017%; no homozygotes.

Submissions (3):

Genomenon, Inc
Classification: Uncertain significance for Glycogen storage disease, type II. Last evaluated: 2026-07-01. Review status: criteria provided, single submitter. Criteria: Genomenon Sequence Variant Interpretation Standards - Updated. Collection method: curation. Allele origin: germline. Affected: no.
Comment: GAA p.Pro364Leu (c.1091C>T) is a missense variant that changes the amino acid at codon 364 from Proline to Leucine. This variant has been reported in the published literature (PMID:32014045). It is absent or not present at a significant frequency in gnomAD. In silico models predict that this variant is possibly or probably damaging. In conclusion, we classify GAA p.Pro364Leu (c.1091C>T) as a variant of uncertain significance.

Myriad Genetics, Inc.
Classification: Uncertain significance for Glycogen storage disease, type II. Last evaluated: 2025-10-01. Review status: criteria provided, single submitter. Criteria: Myriad Autosomal Dominant, Autosomal Recessive and X-Linked Classification Criteria (2023). Collection method: clinical testing. Allele origin: unknown.
Comment: NM_000152.3(GAA):c.1091C>T(P364L) is a missense variant classified as a variant of uncertain significance in the context of Pompe disease. P364L has been observed in a case with relevant disease (PMID: 32014045). Relevant functional assessments of this variant are not available in the literature. P364L has been observed in referenced population frequency databases. In summary, there is insufficient evidence to classify NM_000152.3(GAA):c.1091C>T(P364L) as pathogenic or benign. Please note: this variant was assessed in the context of healthy population screening.

Labcorp Genetics (formerly Invitae), Labcorp
Classification: Uncertain significance for Glycogen storage disease, type II. Last evaluated: 2022-05-11. Review status: criteria provided, single submitter. Criteria: Invitae Variant Classification Sherloc (09022015). Collection method: clinical testing. Allele origin: germline.
Comment: This sequence change replaces proline, which is neutral and non-polar, with leucine, which is neutral and non-polar, at codon 364 of the GAA protein (p.Pro364Leu). This variant is present in population databases (rs769811240, gnomAD 0.0009%). This missense change has been observed in individual(s) with Pompe disease (PMID: 32014045). Advanced modeling of protein sequence and biophysical properties (such as structural, functional, and spatial information, amino acid conservation, physicochemical variation, residue mobility, and thermodynamic stability) performed at Invitae indicates that this missense variant is expected to disrupt GAA protein function. In summary, the available evidence is currently insufficient to determine the role of this variant in disease. Therefore, it has been classified as a Variant of Uncertain Significance.

Literature cited by the submitters: PubMed 32014045 (cited by 3 submitters).

NM_000152.5(GAA):c.1091C>T (p.Pro364Leu)

Gene: GAA (alpha glucosidase; plus strand). Cytogenetic location: 17q25.3.
Variant type: single nucleotide variant.
Coding change: c.1091C>T on transcript NM_000152.5 (MANE Select); coding-DNA position 1091, C replaced by T.
Protein change: p.Pro364Leu; replaces proline 364 with leucine.
Molecular consequence: missense variant.
Genome position (GRCh38, 1-based): chr17:80,108,504, C>T. VCF-style: chr17-80108504-C-T. GRCh37 (hg19) VCF-style: chr17-78082303-C-T.
Other names: c.1091C>T, p.Pro364Leu (NM_001079803.3, NM_001079804.3, NM_001406741.1 and 1 more transcripts); short protein forms P364L.
Identifiers: ClinVar variation 2051159 (VCV002051159.3), dbSNP rs769811240, ClinGen allele CA8815166.
Genomic context (GRCh38, chr17:80,108,504, plus strand): 5'-AAGGCTCCCTCCTCCCTCCCTCATGAAGTCGGCGTTGGCCTGCAGGATACCCGTTCATGC[C>T]GCCATACTGGGGCCTGGGCTTCCACCTGTGCCGCTGGGGCTACTCCTCCACCGCTATCAC-3'
Protein context (NP_000143.2, residues 354-374): YLDVVGYPFM[Pro364Leu]PYWGLGFHLC